The following is an entry in ClinVar:

ClinVar aggregate classification (germline): Conflicting classifications of pathogenicity. Review status: criteria provided, conflicting classifications (1 of 4 stars). 2 submissions from 2 submitters: Uncertain significance (1); Likely benign (1). Last evaluated 2026-03-27.

Submissions (2):

Molecular Diagnostic Laboratory for Inherited Cardiovascular Disease, Montreal Heart Institute
Classification: Likely benign. Last evaluated: 2026-03-27. Review status: criteria provided, single submitter. Criteria: ACMG Guidelines, 2015. Collection method: clinical testing. Allele origin: germline. Affected: no.

Athena Diagnostics
Classification: Uncertain significance. Last evaluated: 2023-02-02. Review status: criteria provided, single submitter. Criteria: Athena Diagnostics Criteria. Collection method: clinical testing. Allele origin: unknown.
Comment: Available data are insufficient to determine the clinical significance of the variant at this time. The frequency of this variant in the general population is uninformative in assessment of its pathogenicity. Computational tools yielded inconclusive predictions regarding the effect of this variant on RNA splicing.

NM_000256.3(MYBPC3):c.1625-8C>A

Gene: MYBPC3 (myosin binding protein C3; minus strand). Cytogenetic location: 11p11.2.
Variant type: single nucleotide variant.
Coding change: c.1625-8C>A on transcript NM_000256.3 (MANE Select); 8 bases into the intron before coding-DNA position 1625, C replaced by A.
Molecular consequence: intron variant.
Genome position (GRCh38, 1-based): chr11:47,342,164, G>T on the plus strand (C>A on the coding strand, the complement: MYBPC3 is on the minus strand). VCF-style: chr11-47342164-G-T. GRCh37 (hg19) VCF-style: chr11-47363715-G-T.
Identifiers: ClinVar variation 2684270 (VCV002684270.2), dbSNP rs746037594, ClinGen allele CA599374448.